The following is an entry in ClinVar:

ClinVar aggregate classification (germline): Uncertain significance. Review status: criteria provided, multiple submitters, no conflicts (2 of 4 stars). 2 submissions from 2 submitters: Uncertain significance (2). Last evaluated 2024-10-18.

Conditions:
Inborn genetic diseases. Identifiers: MedGen C0950123, MeSH D030342.
Blau syndrome (BLAUS). Also called: ARTHROCUTANEOUVEAL GRANULOMATOSIS; GRANULOMATOSIS, FAMILIAL JUVENILE SYSTEMIC; GRANULOMATOSIS, FAMILIAL, BLAU TYPE; GRANULOMATOUS INFLAMMATORY ARTHRITIS, DERMATITIS, AND UVEITIS, FAMILIAL; JABS SYNDROME. Identifiers: Orphanet 90340, MedGen C5201146, MONDO:0008523, OMIM 186580.
Regional enteritis. Also called: Enteritis, Granulomatous. Identifiers: MedGen C0678202, MeSH D003424.

Allele frequency attached by ClinVar (database versions not stated): ExAC 0.00001; gnomAD exomes 0.00001; TOPMed 0.00002; gnomAD 0.00004.
gnomAD v4.1: 20 of 1,613,826 alleles (0.0012%); highest among the groups gnomAD compares: Middle Eastern, 0.016%; no homozygotes.

Submissions (2):

Labcorp Genetics (formerly Invitae), Labcorp
Classification: Uncertain significance for Regional enteritis; Blau syndrome. Last evaluated: 2024-10-18. Review status: criteria provided, single submitter. Criteria: Invitae Variant Classification Sherloc (09022015). Collection method: clinical testing. Allele origin: germline.
Comment: This sequence change replaces arginine, which is basic and polar, with histidine, which is basic and polar, at codon 760 of the NOD2 protein (p.Arg760His). This variant is present in population databases (rs763955590, gnomAD 0.004%). This variant has not been reported in the literature in individuals affected with NOD2-related conditions. ClinVar contains an entry for this variant (Variation ID: 576038). Invitae Evidence Modeling of protein sequence and biophysical properties (such as structural, functional, and spatial information, amino acid conservation, physicochemical variation, residue mobility, and thermodynamic stability) indicates that this missense variant is not expected to disrupt NOD2 protein function with a negative predictive value of 95%. In summary, the available evidence is currently insufficient to determine the role of this variant in disease. Therefore, it has been classified as a Variant of Uncertain Significance.

Ambry Genetics
Classification: Uncertain significance for Inborn genetic diseases. Last evaluated: 2022-05-27. Review status: criteria provided, single submitter. Criteria: Ambry Variant Classification Scheme 2023. Collection method: clinical testing. Allele origin: germline.

NM_001370466.1(NOD2):c.2198G>A (p.Arg733His)

Gene: NOD2 (nucleotide binding oligomerization domain containing 2; plus strand). Cytogenetic location: 16q12.1.
Variant type: single nucleotide variant.
Coding change: c.2198G>A on transcript NM_001370466.1 (MANE Select); coding-DNA position 2198, G replaced by A.
Protein change: p.Arg733His; replaces arginine 733 with histidine.
Molecular consequence: missense variant. On other transcripts: non-coding transcript variant (1).
Genome position (GRCh38, 1-based): chr16:50,712,190, G>A. VCF-style: chr16-50712190-G-A. GRCh37 (hg19) VCF-style: chr16-50746101-G-A.
Other names: c.2198G>A, p.Arg733His (NM_001293557.2); c.2279G>A, p.Arg760His (NM_022162.3); c.2279G>A (NM_022162.1); short protein forms R760H, R733H.
Identifiers: ClinVar variation 576038 (VCV000576038.10), dbSNP rs763955590, ClinGen allele CA8051748.